The following is an entry in ClinVar:

ClinVar aggregate classification (germline): Likely benign (1 of 4 stars; one submission).

Submission:

CeGaT Center for Human Genetics Tuebingen
Classification: Likely benign. Last evaluated: 2025-11-01. Review status: criteria provided, single submitter. Criteria: CeGaT Center For Human Genetics Tuebingen Variant Classification Criteria Version 2. Collection method: clinical testing. Allele origin: germline. Affected: yes. Observed: 1 variant allele.
Comment: DTNBP1: PM2:Supporting, BP4, BP7

NM_032122.5(DTNBP1):c.687A>C (p.Ser229=)

Gene: DTNBP1 (dystrobrevin binding protein 1; minus strand). Cytogenetic location: 6p22.3.
Variant type: single nucleotide variant.
Coding change: c.687A>C on transcript NM_032122.5 (MANE Select); coding-DNA position 687, A replaced by C.
Protein change: p.Ser229=; no amino-acid change (serine 229 retained).
Molecular consequence: synonymous variant. On other transcripts: non-coding transcript variant (1).
Genome position (GRCh38, 1-based): chr6:15,524,650, T>G on the plus strand (A>C on the coding strand, the complement: DTNBP1 is on the minus strand). VCF-style: chr6-15524650-T-G. GRCh37 (hg19) VCF-style: chr6-15524881-T-G.
Other names: c.444A>C, p.Ser148= (NM_001271667.2); c.636A>C, p.Ser212= (NM_001271668.2); c.582A>C, p.Ser194= (NM_001271669.2); c.687A>C, p.Ser229= (NM_183040.2).
Identifiers: ClinVar variation 4534385 (VCV004534385.6).